The following is an entry in ClinVar:

ClinVar aggregate classification (germline): Uncertain significance. Review status: criteria provided, multiple submitters, no conflicts (2 of 4 stars). 2 submissions from 2 submitters: Uncertain significance (2). Last evaluated 2024-06-18.

Conditions:
Inborn genetic diseases. Identifiers: MedGen C0950123, MeSH D030342.

Allele frequency attached by ClinVar (database versions not stated): gnomAD exomes 0.00003; ExAC 0.00005; gnomAD 0.00006; TOPMed 0.00006.
gnomAD v4.1: 54 of 1,613,862 alleles (0.0033%); highest among the groups gnomAD compares: African/African-American, 0.013%; no homozygotes.

Submissions (2):

Ambry Genetics
Classification: Uncertain significance for Inborn genetic diseases. Last evaluated: 2024-06-18. Review status: criteria provided, single submitter. Criteria: Ambry Variant Classification Scheme 2023. Collection method: clinical testing. Allele origin: germline.

Labcorp Genetics (formerly Invitae), Labcorp
Classification: Uncertain significance. Last evaluated: 2023-08-07. Review status: criteria provided, single submitter. Criteria: Invitae Variant Classification Sherloc (09022015). Collection method: clinical testing. Allele origin: germline.
Comment: ClinVar contains an entry for this variant (Variation ID: 1989874). In summary, the available evidence is currently insufficient to determine the role of this variant in disease. Therefore, it has been classified as a Variant of Uncertain Significance. Algorithms developed to predict the effect of missense changes on protein structure and function output the following: SIFT: "Not Available"; PolyPhen-2: "Benign"; Align-GVGD: "Not Available". The leucine amino acid residue is found in multiple mammalian species, which suggests that this missense change does not adversely affect protein function. This variant has not been reported in the literature in individuals affected with MYO18B-related conditions. This variant is present in population databases (rs755219230, gnomAD 0.01%). This sequence change replaces proline, which is neutral and non-polar, with leucine, which is neutral and non-polar, at codon 2368 of the MYO18B protein (p.Pro2368Leu).

NM_032608.7(MYO18B):c.7103C>T (p.Pro2368Leu)

Gene: MYO18B (myosin XVIIIB; plus strand). Cytogenetic location: 22q12.1.
Variant type: single nucleotide variant.
Coding change: c.7103C>T on transcript NM_032608.7 (MANE Select); coding-DNA position 7103, C replaced by T.
Protein change: p.Pro2368Leu; replaces proline 2368 with leucine.
Molecular consequence: missense variant.
Genome position (GRCh38, 1-based): chr22:26,027,077, C>T. VCF-style: chr22-26027077-C-T. GRCh37 (hg19) VCF-style: chr22-26423043-C-T.
Other names: c.7106C>T, p.Pro2369Leu (NM_001318245.2); c.7103C>T (NM_032608.5); short protein forms P2369L, P2368L.
Identifiers: ClinVar variation 1989874 (VCV001989874.5), dbSNP rs755219230, ClinGen allele CA10161690.
Genomic context (GRCh38, chr22:26,027,077, plus strand): 5'-TCAGTTCCTGCGAGTCCCTCTTAGAATCCAGACCGAGCATGGGGAGAAAACTGAGCTCTC[C>T]GACCACACCCAGGGACATGCTGTTGTCGCCCACACTGCGTCCTCGGAGGCGGTGTCTGGA-3'
Protein context (NP_115997.5, residues 2358-2378): RPSMGRKLSS[Pro2368Leu]TTPRDMLLSP